The following is an entry in ClinVar:

NM_206933.4(USH2A):c.6485+5del

Gene: USH2A (usherin; minus strand). Cytogenetic location: 1q41.
Variant type: Deletion.
Coding change: c.6485+5del on transcript NM_206933.4 (MANE Select); 5 bases into the intron after coding-DNA position 6485, one base deleted (G; older notation c.6485+5delG).
Molecular consequence: intron variant.
Genome position (GRCh38, 1-based): chr1:216,000,398, C deleted on the plus strand (G on the coding strand, the reverse complement: USH2A is on the minus strand). VCF-style (leftmost placement, unchanged base first): chr1-216000397-AC-A. GRCh37 (hg19) VCF-style: chr1-216173739-AC-A.
Identifiers: ClinVar variation 2849986 (VCV002849986.3), dbSNP rs2527622381, ClinGen allele CA2650530921.
Genomic context (GRCh38, chr1:216,000,397, plus strand): 5'-CCCTGATTGAACTCACTGAGATTCTTGCATGAACCAGCATGTGAGAGAGACAACATTTCT[AC>A]TTACTGTATGTGTATAGTTCTAGAATCCAGGACAGTCAGAACTGGGGAATCCACGTGTTC-3'

ClinVar aggregate classification (germline): Likely pathogenic (1 of 4 stars; one submission).

Allele frequency attached by ClinVar (database versions not stated): gnomAD exomes 0.00001.

Submission:

Labcorp Genetics (formerly Invitae), Labcorp
Classification: Likely pathogenic. Last evaluated: 2023-04-20. Review status: criteria provided, single submitter. Criteria: Invitae Variant Classification Sherloc (09022015). Collection method: clinical testing. Allele origin: germline.
Comment: This variant disrupts the c.6485+5G>A nucleotide in the USH2A gene. Other variant(s) that disrupt this nucleotide have been determined to be pathogenic (PMID: 19737284, 20596040, 29641573, 30280194). This suggests that this nucleotide is clinically significant, and that variants that disrupt this position are likely to be disease-causing. Variants that disrupt the consensus splice site are a relatively common cause of aberrant splicing (PMID: 17576681, 9536098). Algorithms developed to predict the effect of sequence changes on RNA splicing suggest that this variant may disrupt the consensus splice site. This variant has been observed in individual(s) with childhood onset deafness (Invitae). It has also been observed to segregate with disease in related individuals. This variant is not present in population databases (gnomAD no frequency). This sequence change falls in intron 33 of the USH2A gene. It does not directly change the encoded amino acid sequence of the USH2A protein. It affects a nucleotide within the consensus splice site. In summary, the currently available evidence indicates that the variant is pathogenic, but additional data are needed to prove that conclusively. Therefore, this variant has been classified as Likely Pathogenic.

Literature cited by the submitters: PubMed 19737284; PubMed 20596040; PubMed 29641573; PubMed 30280194; PubMed 17576681; PubMed 9536098.